The following is an entry in ClinVar:

ClinVar aggregate classification (germline): Likely pathogenic. Review status: criteria provided, multiple submitters, no conflicts (2 of 4 stars). 3 submissions from 3 submitters: Likely pathogenic (2). 1 of the submissions does not count toward it. Last evaluated 2023-10-14.

Conditions:
Peroxisome biogenesis disorder 9B. Also called: PEROXISOME BIOGENESIS DISORDER, PEX7-RELATED, ATYPICAL; PEX7-Related Refsum Disease; Refsum disease, adult, 2. Identifiers: Orphanet 773, MedGen C2749346, MONDO:0013945, OMIM 614879.
Rhizomelic chondrodysplasia punctata type 1 (RCDP1). Also called: CHONDRODYSTROPHIA CALCIFICANS PUNCTATA; PEROXISOME BIOGENESIS DISORDER 9; PEX7-Related Rhizomelic Chondrodysplasia Punctata. Identifiers: Orphanet 177, Orphanet 309789, MedGen C1859133, MONDO:0008972, OMIM 215100. Disease mechanism: loss of function.

Allele frequency attached by ClinVar (database versions not stated): gnomAD exomes below 0.00001.
gnomAD v4.1: 1 of 1,564,744 alleles (0.000064%); highest among the groups gnomAD compares: Non-Finnish European, 0.000086%; no homozygotes.

Submissions (4):

Baylor Genetics
Classification: Likely pathogenic for Peroxisome biogenesis disorder 9B. Last evaluated: 2023-10-14. Review status: criteria provided, single submitter. Criteria: ACMG Guidelines, 2015. Collection method: clinical testing. Allele origin: unknown.

Labcorp Genetics (formerly Invitae), Labcorp
Classification: Likely pathogenic for Peroxisome biogenesis disorder 9B. Last evaluated: 2022-08-23. Review status: criteria provided, single submitter. Criteria: Invitae Variant Classification Sherloc (09022015). Collection method: clinical testing. Allele origin: germline.
Comment: In summary, the currently available evidence indicates that the variant is pathogenic, but additional data are needed to prove that conclusively. Therefore, this variant has been classified as Likely Pathogenic. Algorithms developed to predict the effect of sequence changes on RNA splicing suggest that this variant may disrupt the consensus splice site. ClinVar contains an entry for this variant (Variation ID: 370873). This variant has not been reported in the literature in individuals affected with PEX7-related conditions. This variant is not present in population databases (gnomAD no frequency). This sequence change affects an acceptor splice site in intron 7 of the PEX7 gene. It is expected to disrupt RNA splicing. Variants that disrupt the donor or acceptor splice site typically lead to a loss of protein function (PMID: 16199547), and loss-of-function variants in PEX7 are known to be pathogenic (PMID: 12325024, 12522768, 20301447).

Counsyl
Classification: Likely pathogenic for Rhizomelic chondrodysplasia punctata type 1. Last evaluated: 2016-05-04. Review status: no assertion criteria provided. Collection method: clinical testing. Allele origin: unknown. Not counted in ClinVar's aggregate classification.

Dr. Peter K. Rogan Lab, Western University
No classification provided (evidence only). Condition: Nonpapillary renal cell carcinoma. Review status: no classification provided. Collection method: in vitro. Allele origin: not applicable. Functional consequence: skipped exon. Not counted in ClinVar's aggregate classification.

Literature cited by the submitters: PubMed 16199547 (cited by Labcorp Genetics (formerly Invitae), Labcorp); PubMed 12325024 (cited by Labcorp Genetics (formerly Invitae), Labcorp); PubMed 12522768 (cited by Labcorp Genetics (formerly Invitae), Labcorp); PubMed 20301447 (cited by Labcorp Genetics (formerly Invitae), Labcorp).

NM_000288.4(PEX7):c.748-2A>G

Gene: PEX7 (peroxisomal biogenesis factor 7; plus strand). Cytogenetic location: 6q23.3.
Variant type: single nucleotide variant.
Coding change: c.748-2A>G on transcript NM_000288.4 (MANE Select); the canonical splice acceptor site of the intron before coding-DNA position 748, A replaced by G.
Molecular consequence: splice acceptor variant.
Genome position (GRCh38, 1-based): chr6:136,872,196, A>G. VCF-style: chr6-136872196-A-G. GRCh37 (hg19) VCF-style: chr6-137193334-A-G.
Other names: c.634-2A>G (NM_001410945.1).
Identifiers: ClinVar variation 370873 (VCV000370873.10), dbSNP rs778862698, ClinGen allele CA16041019.